The following is an entry in ClinVar:

ClinVar aggregate classification (germline): Conflicting classifications of pathogenicity. Review status: criteria provided, conflicting classifications (1 of 4 stars). 2 submissions from 2 submitters: Likely pathogenic (1); Uncertain significance (1). Last evaluated 2025-08-01.

Allele frequency attached by ClinVar (database versions not stated): TOPMed below 0.00001; gnomAD exomes 0.00001.
gnomAD v4.1: 9 of 1,614,196 alleles (0.00056%); highest among the groups gnomAD compares: Non-Finnish European, 0.00076%; no homozygotes.

Submissions (2):

CeGaT Center for Human Genetics Tuebingen
Classification: Uncertain significance. Last evaluated: 2025-08-01. Review status: criteria provided, single submitter. Criteria: CeGaT Center For Human Genetics Tuebingen Variant Classification Criteria Version 2. Collection method: clinical testing. Allele origin: germline. Affected: yes. Observed: 1 variant allele.
Comment: NSD1: PM5, PP2

Labcorp Genetics (formerly Invitae), Labcorp
Classification: Likely pathogenic. Last evaluated: 2023-03-22. Review status: criteria provided, single submitter. Criteria: Invitae Variant Classification Sherloc (09022015). Collection method: clinical testing. Allele origin: germline.
Comment: Advanced modeling of protein sequence and biophysical properties (such as structural, functional, and spatial information, amino acid conservation, physicochemical variation, residue mobility, and thermodynamic stability) performed at Invitae indicates that this missense variant is expected to disrupt NSD1 protein function. This variant disrupts the p.Asp2119 amino acid residue in NSD1. Other variant(s) that disrupt this residue have been determined to be pathogenic (PMID: 16247291, 22924495; Invitae). This suggests that this residue is clinically significant, and that variants that disrupt this residue are likely to be disease-causing. In summary, the currently available evidence indicates that the variant is pathogenic, but additional data are needed to prove that conclusively. Therefore, this variant has been classified as Likely Pathogenic. ClinVar contains an entry for this variant (Variation ID: 2068910). This sequence change replaces aspartic acid, which is acidic and polar, with asparagine, which is neutral and polar, at codon 2119 of the NSD1 protein (p.Asp2119Asn). This variant is not present in population databases (gnomAD no frequency). This variant has not been reported in the literature in individuals affected with NSD1-related conditions.

Literature cited by the submitters: PubMed 16247291 (cited by Labcorp Genetics (formerly Invitae), Labcorp); PubMed 22924495 (cited by Labcorp Genetics (formerly Invitae), Labcorp).

NM_022455.5(NSD1):c.6355G>A (p.Asp2119Asn)

Gene: NSD1 (nuclear receptor binding SET domain protein 1; plus strand). Cytogenetic location: 5q35.3.
Variant type: single nucleotide variant.
Coding change: c.6355G>A on transcript NM_022455.5 (MANE Select); coding-DNA position 6355, G replaced by A.
Protein change: p.Asp2119Asn; replaces aspartic acid 2119 with asparagine.
Molecular consequence: missense variant.
Genome position (GRCh38, 1-based): chr5:177,292,050, G>A. VCF-style: chr5-177292050-G-A. GRCh37 (hg19) VCF-style: chr5-176719051-G-A.
Other names: c.5482G>A, p.Asp1828Asn (NM_001365684.2, NM_001409308.1, NM_172349.5); c.6355G>A, p.Asp2119Asn (NM_001409301.1, NM_001409302.1, NM_001409303.1); c.5935G>A, p.Asp1979Asn (NM_001409304.1); c.5602G>A, p.Asp1868Asn (NM_001409305.1); c.5593G>A, p.Asp1865Asn (NM_001409306.1, NM_001409307.1); c.5233G>A, p.Asp1745Asn (NM_001409309.1); short protein forms D1850N, D2119N, D1745N, D1828N, D1865N, D1868N, D1979N.
Identifiers: ClinVar variation 2068910 (VCV002068910.12), dbSNP rs1341121356, ClinGen allele CA362320524.